The following is an entry in ClinVar:

ClinVar aggregate classification (germline): Uncertain significance (1 of 4 stars; one submission).

Conditions:
Hereditary cancer-predisposing syndrome. Also called: Neoplastic Syndromes, Hereditary; Tumor predisposition; Hereditary Cancer Syndrome; Hereditary neoplastic syndrome. Identifiers: Orphanet 140162, MedGen C0027672, MeSH D009386, MONDO:0015356.

Submission:

Ambry Genetics
Classification: Uncertain significance for Hereditary cancer-predisposing syndrome. Last evaluated: 2022-05-13. Review status: criteria provided, single submitter. Criteria: Ambry Variant Classification Scheme 2023. Collection method: clinical testing. Allele origin: germline.
Comment: The c.1011G>A variant (also known as p.L337L), located in coding exon 10 of the RB1 gene, results from a G to A substitution at nucleotide position 1011. This nucleotide substitution does not change the leucine at codon 337. This nucleotide position is highly conserved in available vertebrate species. In silico splice site analysis predicts that this alteration may weaken the native splice donor site. Since supporting evidence is limited at this time, the clinical significance of this alteration remains unclear.

NM_000321.3(RB1):c.1011G>A (p.Leu337=)

Gene: RB1 (RB transcriptional corepressor 1; plus strand). Cytogenetic location: 13q14.2.
Variant type: single nucleotide variant.
Coding change: c.1011G>A on transcript NM_000321.3 (MANE Select); coding-DNA position 1011, G replaced by A.
Protein change: p.Leu337=; no amino-acid change (leucine 337 retained).
Molecular consequence: synonymous variant.
Genome position (GRCh38, 1-based): chr13:48,367,565, G>A. VCF-style: chr13-48367565-G-A. GRCh37 (hg19) VCF-style: chr13-48941701-G-A.
Other names: c.1011G>A, p.Leu337= (NM_001407165.1, NM_001407166.1).
Identifiers: ClinVar variation 1731210 (VCV001731210.2), dbSNP rs2138121355, ClinGen allele CA483558192.